The following is an entry in ClinVar:

NM_003309.4(TSPYL1):c.1098C>A (p.Phe366Leu)

Genes: DSE (dermatan sulfate epimerase; plus strand), TSPYL1 (TSPY like 1; minus strand). Cytogenetic location: 6q22.1.
Variant type: single nucleotide variant.
Coding change: c.1098C>A on transcript NM_003309.4 (MANE Select); coding-DNA position 1098, C replaced by A.
Protein change: p.Phe366Leu; replaces phenylalanine 366 with leucine.
Molecular consequence: missense variant. On other transcripts: intron variant (6).
Genome position (GRCh38, 1-based): chr6:116,278,733, G>T on the plus strand (C>A on the coding strand, the complement: TSPYL1 is on the minus strand). VCF-style: chr6-116278733-G-T. GRCh37 (hg19) VCF-style: chr6-116599896-G-T.
Other names: c.-954+19766G>T (NM_001374520.1); c.-54+19766G>T (NM_001322937.2, NM_001322938.2, NM_001374522.1); c.-641+19766G>T (NM_001374521.1); c.-611+19766G>T (NM_001322940.2); short protein forms F366L.
Identifiers: ClinVar variation 718447 (VCV000718447.25), dbSNP rs140756663, ClinGen allele CA3969164.
Genomic context (GRCh38, chr6:116,278,733, plus strand): 5'-AAGGCTGTGGTCTGAAAACCAAGTGAAGAAGCTGCAGATGAGGTCTTGGTTTCTGCGAAT[G>T]AAGGACTGGGGTTCATGCCCCCTGCGCCATATAATTGGAGTAGAAAGAGACACCACTCGG-3'
Protein context (NP_003300.1, residues 356-376): IWRRGHEPQS[Phe366Leu]IRRNQDLICS

ClinVar aggregate classification (germline): Likely benign. Review status: criteria provided, multiple submitters, no conflicts (2 of 4 stars). 7 submissions from 7 submitters: Likely benign (5). 2 of the submissions do not count toward it. Last evaluated 2026-09-01.

Conditions:
Sudden infant death-dysgenesis of the testes syndrome. Identifiers: Orphanet 168593, MedGen C1837371, MONDO:0012124, OMIM 608800.
TSPYL1-related disorder. Also called: TSPYL1-related condition.

Allele frequency attached by ClinVar (database versions not stated): gnomAD 0.00257 and 0.00259; 1000 Genomes Project 0.00220; TOPMed 0.00261; ESP Exome Variant Server 0.00338; gnomAD exomes 0.00358; ExAC 0.00368; 1000 Genomes Project 30x 0.00187.
gnomAD v4.1: 6,513 of 1,614,174 alleles (0.4%); highest among the groups gnomAD compares: South Asian, 0.78%; 20 homozygotes.

Submissions (7):

CeGaT Center for Human Genetics Tuebingen
Classification: Likely benign. Last evaluated: 2026-09-01. Review status: criteria provided, single submitter. Criteria: CeGaT Center For Human Genetics Tuebingen Variant Classification Criteria Version 2. Collection method: clinical testing. Allele origin: germline. Affected: yes. Observed: 6 variant alleles.
Comment: TSPYL1: BS2

Labcorp Genetics (formerly Invitae), Labcorp
Classification: Likely benign. Last evaluated: 2026-01-14. Review status: criteria provided, single submitter. Criteria: Invitae Variant Classification Sherloc (09022015). Collection method: clinical testing. Allele origin: germline.

Blueprint Genetics
Classification: Likely benign. Last evaluated: 2024-11-06. Review status: criteria provided, single submitter. Criteria: ACMG Guidelines, 2015. Collection method: clinical testing. Allele origin: germline.

Department of Pathology and Laboratory Medicine, Sinai Health System
Classification: Likely benign for Sudden infant death-dysgenesis of the testes syndrome. Last evaluated: 2020-07-20. Review status: criteria provided, single submitter. Criteria: ACMG Guidelines, 2015. Collection method: research. Allele origin: germline.

Breakthrough Genomics
Classification: Likely benign. Review status: criteria provided, single submitter. Criteria: ACMG Guidelines, 2015. Collection method: not provided. Allele origin: germline. Inheritance: Autosomal recessive inheritance. Affected: yes.

PreventionGenetics, part of Exact Sciences
Classification: Likely benign for TSPYL1-related condition. Last evaluated: 2024-01-22. Review status: no assertion criteria provided. Collection method: clinical testing. Allele origin: germline. Not counted in ClinVar's aggregate classification.
Comment: This variant is classified as likely benign based on ACMG/AMP sequence variant interpretation guidelines (Richards et al. 2015 PMID: 25741868, with internal and published modifications).

Genetic Services Laboratory, University of Chicago
Classification: Likely benign. Last evaluated: 2022-07-13. Review status: no assertion criteria provided. Collection method: clinical testing. Allele origin: germline. Affected: no. Not counted in ClinVar's aggregate classification.